The following is an entry in ClinVar:

NM_016507.4(CDK12):c.886A>C (p.Ser296Arg)

Genes: CDK12 (cyclin dependent kinase 12; plus strand), LOC126862553 (CDK7 strongly-dependent group 2 enhancer GRCh37_chr17:37618166-37619365; plus strand). Cytogenetic location: 17q12.
Variant type: single nucleotide variant.
Coding change: c.886A>C on transcript NM_016507.4 (MANE Select); coding-DNA position 886, A replaced by C.
Protein change: p.Ser296Arg; replaces serine 296 with arginine.
Molecular consequence: missense variant.
Genome position (GRCh38, 1-based): chr17:39,462,957, A>C. VCF-style: chr17-39462957-A-C. GRCh37 (hg19) VCF-style: chr17-37619210-A-C.
Other names: c.886A>C, p.Ser296Arg (NM_015083.4); short protein forms S296R.
Identifiers: ClinVar variation 3489293 (VCV003489293.1).

ClinVar aggregate classification (germline): Uncertain significance (1 of 4 stars; one submission).

Submission:

Ambry Genetics
Classification: Uncertain significance. Last evaluated: 2024-11-25. Review status: criteria provided, single submitter. Criteria: Ambry Variant Classification Scheme 2023. Collection method: clinical testing. Allele origin: germline.
Comment: The p.S296R variant (also known as c.886A>C), located in coding exon 1 of the CDK12 gene, results from an A to C substitution at nucleotide position 886. The serine at codon 296 is replaced by arginine, an amino acid with dissimilar properties. This amino acid position is conserved. In addition, this alteration is predicted to be tolerated by in silico analysis. Based on the available evidence, the clinical significance of this variant remains unclear.